The following is an entry in ClinVar:

NM_006384.4(CIB1):c.427C>T (p.Arg143Trp)

Gene: CIB1 (calcium and integrin binding 1; minus strand). Cytogenetic location: 15q26.1.
Variant type: single nucleotide variant.
Coding change: c.427C>T on transcript NM_006384.4 (MANE Select); coding-DNA position 427, C replaced by T.
Protein change: p.Arg143Trp; replaces arginine 143 with tryptophan.
Molecular consequence: missense variant. On other transcripts: non-coding transcript variant (2).
Genome position (GRCh38, 1-based): chr15:90,231,133, G>A on the plus strand (C>T on the coding strand, the complement: CIB1 is on the minus strand). VCF-style: chr15-90231133-G-A. GRCh37 (hg19) VCF-style: chr15-90774365-G-A.
Other names: c.547C>T, p.Arg183Trp (NM_001277764.2); c.427C>T (NM_006384.3); short protein forms R143W, R183W.
Identifiers: ClinVar variation 1463554 (VCV001463554.6), dbSNP rs777654090, ClinGen allele CA7734184.

ClinVar aggregate classification (germline): Uncertain significance. Review status: criteria provided, multiple submitters, no conflicts (2 of 4 stars). 2 submissions from 2 submitters: Uncertain significance (2). Last evaluated 2025-03-18.

Allele frequency attached by ClinVar (database versions not stated): gnomAD 0.00001; ExAC 0.00002; gnomAD exomes 0.00002.
gnomAD v4.1: 33 of 1,614,056 alleles (0.002%); highest among the groups gnomAD compares: South Asian, 0.013%; no homozygotes.

Submissions (2):

Labcorp Genetics (formerly Invitae), Labcorp
Classification: Uncertain significance. Last evaluated: 2025-03-18. Review status: criteria provided, single submitter. Criteria: Invitae Variant Classification Sherloc (09022015). Collection method: clinical testing. Allele origin: germline.
Comment: This sequence change replaces arginine, which is basic and polar, with tryptophan, which is neutral and slightly polar, at codon 183 of the CIB1 protein (p.Arg183Trp). This variant is present in population databases (rs777654090, gnomAD 0.01%). This variant has not been reported in the literature in individuals affected with CIB1-related conditions. ClinVar contains an entry for this variant (Variation ID: 1463554). Experimental studies and prediction algorithms are not available or were not evaluated, and the functional significance of this variant is currently unknown. In summary, the available evidence is currently insufficient to determine the role of this variant in disease. Therefore, it has been classified as a Variant of Uncertain Significance.

Ambry Genetics
Classification: Uncertain significance. Last evaluated: 2024-09-02. Review status: criteria provided, single submitter. Criteria: Ambry Variant Classification Scheme 2023. Collection method: clinical testing. Allele origin: germline.